The following is an entry in ClinVar:

NM_005445.4(SMC3):c.970-14T>C

Gene: SMC3 (structural maintenance of chromosomes 3; plus strand). Cytogenetic location: 10q25.2.
Variant type: single nucleotide variant.
Coding change: c.970-14T>C on transcript NM_005445.4 (MANE Select); 14 bases into the intron before coding-DNA position 970, T replaced by C.
Molecular consequence: intron variant.
Genome position (GRCh38, 1-based): chr10:110,583,827, T>C. VCF-style: chr10-110583827-T-C. GRCh37 (hg19) VCF-style: chr10-112343585-T-C.
Identifiers: ClinVar variation 298766 (VCV000298766.9), dbSNP rs200511874, ClinGen allele CA5687863.

ClinVar aggregate classification (germline): Likely benign. Review status: criteria provided, multiple submitters, no conflicts (2 of 4 stars). 2 submissions from 2 submitters: Likely benign (2). Last evaluated 2024-03-15.

Conditions:
Cornelia de Lange syndrome 3 (CDLS3). Also called: CORNELIA DE LANGE SYNDROME 3 WITH OR WITHOUT MIDLINE BRAIN DEFECTS; SMC3-Related Cornelia de Lange Syndrome. Identifiers: Orphanet 199, MedGen C1853099, MONDO:0012555, OMIM 610759.

Allele frequency attached by ClinVar (database versions not stated): TOPMed 0.00005; gnomAD exomes 0.00008; ExAC 0.00009; gnomAD 0.00009; ESP Exome Variant Server 0.00015.
gnomAD v4.1: 125 of 1,611,364 alleles (0.0078%); highest among the groups gnomAD compares: Middle Eastern, 0.033%; no homozygotes.

Submissions (2):

Labcorp Genetics (formerly Invitae), Labcorp
Classification: Likely benign for Cornelia de Lange syndrome 3. Last evaluated: 2024-03-15. Review status: criteria provided, single submitter. Criteria: Invitae Variant Classification Sherloc (09022015). Collection method: clinical testing. Allele origin: germline.

Illumina Laboratory Services, Illumina
Classification: Likely benign for Cornelia de Lange syndrome 3. Last evaluated: 2018-01-12. Review status: criteria provided, single submitter. Criteria: ICSL Variant Classification Criteria 13 December 2019. Collection method: clinical testing. Allele origin: germline.
Comment: This variant was observed in the ICSL laboratory as part of a predisposition screen in an ostensibly healthy population. It had not been previously curated by ICSL or reported in the Human Gene Mutation Database (HGMD: prior to June 1st, 2018), and was therefore a candidate for classification through an automated scoring system. Utilizing variant allele frequency, disease prevalence and penetrance estimates, and inheritance mode, an automated score was calculated to assess if this variant is too frequent to cause the disease. Based on the score and internal cut-off values, a variant classified as likely benign is not then subjected to further curation. The score for this variant resulted in a classification of likely benign for this disease.